The following is an entry in ClinVar:

NM_000254.3(MTR):c.1953+3A>G

Gene: MTR (5-methyltetrahydrofolate-homocysteine methyltransferase; plus strand). Cytogenetic location: 1q43.
Variant type: single nucleotide variant.
Coding change: c.1953+3A>G on transcript NM_000254.3 (MANE Select); 3 bases into the intron after coding-DNA position 1953, A replaced by G.
Molecular consequence: intron variant.
Genome position (GRCh38, 1-based): chr1:236,853,091, A>G. VCF-style: chr1-236853091-A-G. GRCh37 (hg19) VCF-style: chr1-237016391-A-G.
Other names: c.1953+3A>G (NM_001291939.1); c.732+3A>G (NM_001291940.2).
Identifiers: ClinVar variation 1003178 (VCV001003178.2), dbSNP rs781246271, ClinGen allele CA1474210.

ClinVar aggregate classification (germline): Uncertain significance (1 of 4 stars; one submission).

Conditions:
Methylcobalamin deficiency type cblG (HMAG). Also called: Functional methionine synthase deficiency type cblG; HOMOCYSTINURIA-MEGALOBLASTIC ANEMIA, cblG COMPLEMENTATION TYPE; HOMOCYSTINURIA-MEGALOBLASTIC ANEMIA, cblG TYPE; HOMOCYSTINURIA-MEGALOBLASTIC ANEMIA DUE TO DEFECT IN COBALAMIN METABOLISM, cblG COMPLEMENTATION TYPE. Identifiers: Orphanet 2170, Orphanet 622, MedGen C1855128, MONDO:0009609, OMIM 250940.

Allele frequency attached by ClinVar (database versions not stated): gnomAD exomes below 0.00001; ExAC 0.00001.
gnomAD v4.1: 2 of 1,613,930 alleles (0.00012%); highest among the groups gnomAD compares: African/African-American, 0.0013%; no homozygotes.

Submission:

Labcorp Genetics (formerly Invitae), Labcorp
Classification: Uncertain significance for Methylcobalamin deficiency type cblG. Last evaluated: 2021-12-07. Review status: criteria provided, single submitter. Criteria: Invitae Variant Classification Sherloc (09022015). Collection method: clinical testing. Allele origin: germline.
Comment: This sequence change falls in intron 18 of the MTR gene. It does not directly change the encoded amino acid sequence of the MTR protein. It affects a nucleotide within the consensus splice site. This variant is present in population databases (rs781246271, gnomAD 0.0009%). This variant has not been reported in the literature in individuals affected with MTR-related conditions. ClinVar contains an entry for this variant (Variation ID: 1003178). Variants that disrupt the consensus splice site are a relatively common cause of aberrant splicing (PMID: 17576681, 9536098). Algorithms developed to predict the effect of sequence changes on RNA splicing suggest that this variant may disrupt the consensus splice site. In summary, the available evidence is currently insufficient to determine the role of this variant in disease. Therefore, it has been classified as a Variant of Uncertain Significance.

Literature cited by the submitters: PubMed 17576681; PubMed 9536098.